The following is an entry in ClinVar:

ClinVar aggregate classification (germline): Benign/Likely benign. Review status: criteria provided, multiple submitters, no conflicts (2 of 4 stars). 5 submissions from 5 submitters: Benign (2); Likely benign (3). Last evaluated 2026-01-19.

Conditions:
Tuberous sclerosis 2 (TSC2). Identifiers: Orphanet 805, MedGen C1860707, MONDO:0013199, OMIM 613254.
Hereditary cancer-predisposing syndrome. Also called: Tumor predisposition; Neoplastic Syndromes, Hereditary; Hereditary Cancer Syndrome; Hereditary neoplastic syndrome. Identifiers: Orphanet 140162, MedGen C0027672, MeSH D009386, MONDO:0015356.

Allele frequency attached by ClinVar (database versions not stated): TOPMed below 0.00001; gnomAD 0.00001; ExAC 0.00002; gnomAD exomes 0.00002; 1000 Genomes Project 0.00020.

Submissions (5):

Labcorp Genetics (formerly Invitae), Labcorp
Classification: Likely benign for Tuberous sclerosis 2. Last evaluated: 2026-01-19. Review status: criteria provided, single submitter. Criteria: Invitae Variant Classification Sherloc (09022015). Collection method: clinical testing. Allele origin: germline.

Myriad Genetics, Inc.
Classification: Benign for Tuberous sclerosis 2. Last evaluated: 2025-06-05. Review status: criteria provided, single submitter. Criteria: Myriad Autosomal Dominant, Autosomal Recessive and X-Linked Classification Criteria (2023). Collection method: clinical testing. Allele origin: unknown.
Comment: This variant is considered benign. This variant is a silent/synonymous amino acid change and it is not expected to impact splicing.

Genome-Nilou Lab
Classification: Benign for Tuberous sclerosis 2. Last evaluated: 2021-11-07. Review status: criteria provided, single submitter. Criteria: ACMG Guidelines, 2015. Collection method: clinical testing. Allele origin: germline. Affected: no.

GeneDx
Classification: Likely benign. Last evaluated: 2021-03-15. Review status: criteria provided, single submitter. Criteria: GeneDx Variant Classification Process June 2021. Collection method: clinical testing. Allele origin: germline. Affected: yes.

Ambry Genetics
Classification: Likely benign for Hereditary cancer-predisposing syndrome. Last evaluated: 2016-01-25. Review status: criteria provided, single submitter. Criteria: Ambry Variant Classification Scheme 2023. Collection method: clinical testing. Allele origin: germline.

NM_000548.5(TSC2):c.5058G>A (p.Gln1686=)

Gene: TSC2 (TSC complex subunit 2; plus strand). Cytogenetic location: 16p13.3.
Variant type: single nucleotide variant.
Coding change: c.5058G>A on transcript NM_000548.5 (MANE Select); coding-DNA position 5058, G replaced by A.
Protein change: p.Gln1686=; no amino-acid change (glutamine 1686 retained).
Molecular consequence: synonymous variant.
Genome position (GRCh38, 1-based): chr16:2,087,931, G>A. VCF-style: chr16-2087931-G-A. GRCh37 (hg19) VCF-style: chr16-2137932-G-A.
Other names: c.4857G>A, p.Gln1619= (NM_001077183.3); c.4989G>A, p.Gln1663= (NM_001114382.3); c.4749G>A, p.Gln1583= (NM_001318827.2); c.4713G>A, p.Gln1571= (NM_001318829.2); c.4326G>A, p.Gln1442= (NM_001318831.2); c.4890G>A, p.Gln1630= (NM_001318832.2); c.4860G>A, p.Gln1620= (NM_001363528.2); c.4926G>A, p.Gln1642= (NM_001370404.1); and 1 more.
Identifiers: ClinVar variation 486624 (VCV000486624.21), dbSNP rs200700923, ClinGen allele CA053631.
Genomic context (GRCh38, chr16:2,087,931, plus strand): 5'-CAACTTTGTCCACGTGATCGTCACCCCGCTGGACTACGAGTGCAACCTGGTGTCCCTGCA[G>A]TGCAGGAAAGGTAGGGCCGGGTGGGGCCCTGCAGTGCAGGAAAGGTAGGGCCGGGTGGGG-3'
Protein context (NP_000539.2, residues 1676-1696): LDYECNLVSL[Gln1686=]CRKDMEGLVD